The following is an entry in ClinVar:

NM_004656.4(BAP1):c.1841G>T (p.Gly614Val)

Gene: BAP1 (BRCA1 associated deubiquitinase 1; minus strand). Cytogenetic location: 3p21.1.
Variant type: single nucleotide variant.
Coding change: c.1841G>T on transcript NM_004656.4 (MANE Select); coding-DNA position 1841, G replaced by T.
Protein change: p.Gly614Val; replaces glycine 614 with valine.
Molecular consequence: missense variant.
Genome position (GRCh38, 1-based): chr3:52,403,187, C>A on the plus strand (G>T on the coding strand, the complement: BAP1 is on the minus strand). VCF-style: chr3-52403187-C-A. GRCh37 (hg19) VCF-style: chr3-52437203-C-A.
Other names: c.1787G>T, p.Gly596Val (NM_001410772.1); short protein forms G614V, G596V.
Identifiers: ClinVar variation 4824099 (VCV004824099.1).

ClinVar aggregate classification (germline): Uncertain significance (1 of 4 stars; one submission).

Conditions:
Hereditary cancer-predisposing syndrome. Also called: Neoplastic Syndromes, Hereditary; Hereditary neoplastic syndrome; Tumor predisposition; Hereditary Cancer Syndrome. Identifiers: Orphanet 140162, MedGen C0027672, MeSH D009386, MONDO:0015356.

Submission:

Ambry Genetics
Classification: Uncertain significance for Hereditary cancer-predisposing syndrome. Last evaluated: 2026-02-14. Review status: criteria provided, single submitter. Criteria: Ambry Variant Classification Scheme 2023. Collection method: clinical testing. Allele origin: germline.
Comment: The p.G614V variant (also known as c.1841G>T), located in coding exon 14 of the BAP1 gene, results from a G to T substitution at nucleotide position 1841. The glycine at codon 614 is replaced by valine, an amino acid with dissimilar properties. This amino acid position is conserved. In addition, the in silico prediction for this alteration is inconclusive. Based on the available evidence, the clinical significance of this variant remains unclear.